The following is an entry in ClinVar:

ClinVar aggregate classification (germline): Uncertain significance (1 of 4 stars; one submission).

Conditions:
Neuropathy, hereditary sensory and autonomic, type 2A (HSAN2A). Also called: WNK1-Related HSAN2 (HSAN2A); ACROOSTEOLYSIS, GIACCAI TYPE; ACROOSTEOLYSIS, NEUROGENIC; HSAN IIA; MORVAN DISEASE; NEUROPATHY, CONGENITAL SENSORY. Identifiers: Orphanet 970, MedGen C2752089, MONDO:0024309, OMIM 201300.
Generalized epilepsy with febrile seizures plus, type 7 (GEFSP7). Also called: GEFS+, TYPE 7. Identifiers: Orphanet 36387, MedGen C2751778, MONDO:0013470, OMIM 613863.

Submission:

Labcorp Genetics (formerly Invitae), Labcorp
Classification: Uncertain significance for Neuropathy, hereditary sensory and autonomic, type 2A; Generalized epilepsy with febrile seizures plus, type 7. Last evaluated: 2020-12-23. Review status: criteria provided, single submitter. Criteria: Invitae Variant Classification Sherloc (09022015). Collection method: clinical testing. Allele origin: germline.
Comment: In summary, the available evidence is currently insufficient to determine the role of this variant in disease. Therefore, it has been classified as a Variant of Uncertain Significance. Algorithms developed to predict the effect of missense changes on protein structure and function (SIFT, PolyPhen-2, Align-GVGD) all suggest that this variant is likely to be disruptive, but these predictions have not been confirmed by published functional studies and their clinical significance is uncertain. This variant has not been reported in the literature in individuals affected with SCN9A-related conditions. This variant is not present in population databases (ExAC no frequency). This sequence change replaces glycine with glutamic acid at codon 1433 of the SCN9A protein (p.Gly1433Glu). The glycine residue is highly conserved and there is a moderate physicochemical difference between glycine and glutamic acid.

NM_001365536.1(SCN9A):c.4331G>A (p.Gly1444Glu)

Genes: SCN9A (sodium voltage-gated channel alpha subunit 9; minus strand), SCN1A-AS1 (SCN1A and SCN9A antisense RNA 1; plus strand). Cytogenetic location: 2q24.3.
Variant type: single nucleotide variant.
Coding change: c.4331G>A on transcript NM_001365536.1 (MANE Select); coding-DNA position 4331, G replaced by A.
Protein change: p.Gly1444Glu; replaces glycine 1444 with glutamic acid.
Molecular consequence: missense variant.
Genome position (GRCh38, 1-based): chr2:166,226,634, C>T on the plus strand (G>A on the coding strand, the complement: SCN9A is on the minus strand). VCF-style: chr2-166226634-C-T. GRCh37 (hg19) VCF-style: chr2-167083144-C-T.
Other names: c.4298G>A, p.Gly1433Glu (NM_002977.4); short protein forms G1433E, G1444E.
Identifiers: ClinVar variation 1467899 (VCV001467899.8), dbSNP rs2106383324, ClinGen allele CA349061970.